The following is an entry in ClinVar:

ClinVar aggregate classification (germline): Likely pathogenic (1 of 4 stars; one submission).

Conditions:
Hematuria. Identifiers: MedGen C0018965, HP:0000790.

Submission:

Genetics Laboratory, Great Ormond Street Hospital NHS Foundation Trust, North Thames Genomic Laboratory Hub
Classification: Likely pathogenic for Haematuria. Last evaluated: 2026-09-11. Review status: criteria provided, single submitter. Criteria: ACGS Best Practice Guidelines for Variant Classification in Rare Disease 2024 v1.2. Collection method: clinical testing. Allele origin: germline. Affected: yes.
Comment: PM2_moderate, PP3_supporting, PM1_strong

NM_033380.3(COL4A5):c.4034G>T (p.Gly1345Val)

Gene: COL4A5 (collagen type IV alpha 5 chain; plus strand). Cytogenetic location: Xq22.3.
Variant type: single nucleotide variant.
Coding change: c.4034G>T on transcript NM_033380.3 (MANE Select); coding-DNA position 4034, G replaced by T.
Protein change: p.Gly1345Val; replaces glycine 1345 with valine.
Molecular consequence: missense variant.
Genome position (GRCh38, 1-based): chrX:108,680,903, G>T. VCF-style: chrX-108680903-G-T. GRCh37 (hg19) VCF-style: chrX-107924133-G-T.
Other names: c.4016G>T, p.Gly1339Val (NM_000495.5); short protein forms G1339V, G1345V.
Identifiers: ClinVar variation 5042648 (VCV005042648.1).
Genomic context (GRCh38, chrX:108,680,903, plus strand): 5'-CCCTGTTGCTTTGCCATAAAACTGTATGTACCTTCTGTGCAGGCATGAAAGGACCCAGTG[G>T]AGTACCTGGATCAGCTGGCCCTGAGGGGGAACCGGGACTTATTGGTCCTCCAGGTAAGAC-3'
Protein context (NP_203699.1, residues 1335-1355): PGFPGMKGPS[Gly1345Val]VPGSAGPEGE